The following is an entry in ClinVar:

NM_006790.3(MYOT):c.981T>C (p.Asn327=)

Genes: PKD2L2-DT (PKD2L2 divergent transcript; minus strand), MYOT (myotilin; plus strand). Cytogenetic location: 5q31.2.
Variant type: single nucleotide variant.
Coding change: c.981T>C on transcript NM_006790.3 (MANE Select); coding-DNA position 981, T replaced by C.
Protein change: p.Asn327=; no amino-acid change (asparagine 327 retained).
Molecular consequence: synonymous variant.
Genome position (GRCh38, 1-based): chr5:137,883,548, T>C. VCF-style: chr5-137883548-T-C. GRCh37 (hg19) VCF-style: chr5-137219237-T-C.
Other names: c.429T>C, p.Asn143= (NM_001135940.2); c.636T>C, p.Asn212= (NM_001300911.2).
Identifiers: ClinVar variation 198547 (VCV000198547.51), dbSNP rs148479015, ClinGen allele CA247257.

ClinVar aggregate classification (germline): Benign/Likely benign. Review status: criteria provided, multiple submitters, no conflicts (2 of 4 stars). 10 submissions from 10 submitters: Benign (2); Likely benign (7). 1 of the submissions does not count toward it. Last evaluated 2025-12-29.

Conditions:
MYOT-related disorder. Also called: MYOT-related condition.
Myofibrillar myopathy 3 (MFM3). Also called: Muscular dystrophy, proximal, type 1A; Autosomal dominant spheroid body myopathy. Identifiers: Orphanet 266, Orphanet 268129, MedGen C3714934, MONDO:0012215, OMIM 609200.

Allele frequency attached by ClinVar (database versions not stated): 1000 Genomes Project 0.00060; gnomAD exomes 0.00068 and 0.00096; ESP Exome Variant Server 0.00077; gnomAD 0.00082 and 0.00133; ExAC 0.00092; 1000 Genomes Project 30x 0.00125; TOPMed 0.00168.
gnomAD v4.1: 1,259 of 1,614,116 alleles (0.078%); highest among the groups gnomAD compares: Middle Eastern, 2.1%; 8 homozygotes.

Submissions (10):

Labcorp Genetics (formerly Invitae), Labcorp
Classification: Likely benign for Myofibrillar myopathy 3. Last evaluated: 2025-12-29. Review status: criteria provided, single submitter. Criteria: Invitae Variant Classification Sherloc (09022015). Collection method: clinical testing. Allele origin: germline.

CeGaT Center for Human Genetics Tuebingen
Classification: Likely benign. Last evaluated: 2025-09-01. Review status: criteria provided, single submitter. Criteria: CeGaT Center For Human Genetics Tuebingen Variant Classification Criteria Version 2. Collection method: clinical testing. Allele origin: germline. Affected: yes. Observed: 5 variant alleles.
Comment: MYOT: BP4, BP7

Blueprint Genetics
Classification: Likely benign. Last evaluated: 2024-11-19. Review status: criteria provided, single submitter. Criteria: ACMG Guidelines, 2015. Collection method: clinical testing. Allele origin: germline.

Athena Diagnostics
Classification: Benign. Last evaluated: 2024-07-05. Review status: criteria provided, single submitter. Criteria: Athena Diagnostics Criteria. Collection method: clinical testing. Allele origin: unknown.

Women's Health and Genetics/Laboratory Corporation of America, LabCorp
Classification: Benign. Last evaluated: 2023-08-19. Review status: criteria provided, single submitter. Criteria: LabCorp Variant Classification Summary - May 2015. Collection method: clinical testing. Allele origin: germline.

GeneDx
Classification: Likely benign. Last evaluated: 2021-10-14. Review status: criteria provided, single submitter. Criteria: GeneDx Variant Classification Process June 2021. Collection method: clinical testing. Allele origin: germline. Affected: yes.

Illumina Laboratory Services, Illumina
Classification: Likely benign for Myofibrillar myopathy 3. Last evaluated: 2018-01-12. Review status: criteria provided, single submitter. Criteria: ICSL Variant Classification Criteria 13 December 2019. Collection method: clinical testing. Allele origin: germline.
Comment: This variant was observed in the ICSL laboratory as part of a predisposition screen in an ostensibly healthy population. It had not been previously curated by ICSL or reported in the Human Gene Mutation Database (HGMD: prior to June 1st, 2018), and was therefore a candidate for classification through an automated scoring system. Utilizing variant allele frequency, disease prevalence and penetrance estimates, and inheritance mode, an automated score was calculated to assess if this variant is too frequent to cause the disease. Based on the score and internal cut-off values, a variant classified as likely benign is not then subjected to further curation. The score for this variant resulted in a classification of likely benign for this disease.

Eurofins Ntd Llc (ga)
Classification: Likely benign. Last evaluated: 2016-07-08. Review status: criteria provided, single submitter. Criteria: EGL Classification Definitions 2015. Collection method: clinical testing. Allele origin: germline. Observed: 5 variant alleles, 5 heterozygotes.

Breakthrough Genomics
Classification: Likely benign. Review status: criteria provided, single submitter. Criteria: ACMG Guidelines, 2015. Collection method: not provided. Allele origin: germline. Inheritance: Autosomal dominant inheritance. Affected: yes.

PreventionGenetics, part of Exact Sciences
Classification: Benign for MYOT-related condition. Last evaluated: 2019-12-16. Review status: no assertion criteria provided. Collection method: clinical testing. Allele origin: germline. Not counted in ClinVar's aggregate classification.
Comment: This variant is classified as benign based on ACMG/AMP sequence variant interpretation guidelines (Richards et al. 2015 PMID: 25741868, with internal and published modifications).